The following is an entry in ClinVar:

ClinVar aggregate classification (germline): Uncertain significance. Review status: criteria provided, multiple submitters, no conflicts (2 of 4 stars). 3 submissions from 3 submitters: Uncertain significance (2). 1 of the submissions does not count toward it. Last evaluated 2025-07-23.

Conditions:
Autosomal recessive limb-girdle muscular dystrophy type 2A (LGMDR1). Also called: Calpainopathy; MUSCULAR DYSTROPHY, PELVOFEMORAL; Limb-girdle muscular dystrophy, type 2A; Muscular dystrophy, limb-girdle, type 2A, Amish; LEYDEN-MOEBIUS MUSCULAR DYSTROPHY. Identifiers: Orphanet 267, MedGen C1869123, MONDO:0009675, OMIM 253600. Disease mechanism: loss of function.

Allele frequency attached by ClinVar (database versions not stated): gnomAD exomes below 0.00001 and 0.00001.
gnomAD v4.1: 7 of 1,613,978 alleles (0.00043%); highest among the groups gnomAD compares: Non-Finnish European, 0.00059%; no homozygotes.

Submissions (3):

Labcorp Genetics (formerly Invitae), Labcorp
Classification: Uncertain significance for Autosomal recessive limb-girdle muscular dystrophy type 2A. Last evaluated: 2025-07-23. Review status: criteria provided, single submitter. Criteria: Invitae Variant Classification Sherloc (09022015). Collection method: clinical testing. Allele origin: germline.
Comment: This sequence change replaces leucine, which is neutral and non-polar, with proline, which is neutral and non-polar, at codon 495 of the CAPN3 protein (p.Leu495Pro). This variant is present in population databases (no rsID available, gnomAD 0.0009%). This missense change has been observed in individual(s) with clinical features of limb-girdle muscular dystrophy (PMID: 30564623). ClinVar contains an entry for this variant (Variation ID: 288508). Invitae Evidence Modeling of protein sequence and biophysical properties (such as structural, functional, and spatial information, amino acid conservation, physicochemical variation, residue mobility, and thermodynamic stability) indicates that this missense variant is not expected to disrupt CAPN3 protein function with a negative predictive value of 80%. In summary, the available evidence is currently insufficient to determine the role of this variant in disease. Therefore, it has been classified as a Variant of Uncertain Significance.

Eurofins Ntd Llc (ga)
Classification: Uncertain significance. Last evaluated: 2016-06-06. Review status: criteria provided, single submitter. Criteria: EGL Classification Definitions 2015. Collection method: clinical testing. Allele origin: germline. Observed: 1 variant allele, 1 heterozygote.

Natera, Inc.
Classification: Uncertain significance for Limb-girdle muscular dystrophy type 2A. Last evaluated: 2025-02-25. Review status: no assertion criteria provided. Collection method: clinical testing. Allele origin: germline. Not counted in ClinVar's aggregate classification.

Literature cited by the submitters: PubMed 30564623 (cited by Labcorp Genetics (formerly Invitae), Labcorp).

NM_000070.3(CAPN3):c.1484T>C (p.Leu495Pro)

Gene: CAPN3 (calpain 3; plus strand). Cytogenetic location: 15q15.1.
Variant type: single nucleotide variant.
Coding change: c.1484T>C on transcript NM_000070.3 (MANE Select); coding-DNA position 1484, T replaced by C.
Protein change: p.Leu495Pro; replaces leucine 495 with proline.
Molecular consequence: missense variant.
Genome position (GRCh38, 1-based): chr15:42,401,770, T>C. VCF-style: chr15-42401770-T-C. GRCh37 (hg19) VCF-style: chr15-42693968-T-C.
Other names: c.1484T>C (NM_000070.2); c.1484T>C, p.Leu495Pro (NM_024344.2); c.1340T>C, p.Leu447Pro (NM_173087.2); short protein forms L495P, L447P.
Identifiers: ClinVar variation 288508 (VCV000288508.9), dbSNP rs886043921, ClinGen allele CA10606114.
Genomic context (GRCh38, chr15:42,401,770, plus strand): 5'-AGGTGATTTGCAGCTTCCTGGTGGCCCTGATGCAGAAGAACCGGCGGAAGGACCGGAAGC[T>C]AGGGGCCAGTCTCTTCACCATTGGCTTCGCCATCTACGAGGTGTGCAGTCCTGATTGGCT-3'
Protein context (NP_000061.1, residues 485-505): MQKNRRKDRK[Leu495Pro]GASLFTIGFA